The following is an entry in ClinVar:

NM_052876.4(NACC1):c.1198C>T (p.Arg400Trp)

Gene: NACC1 (nucleus accumbens associated 1; plus strand). Cytogenetic location: 19p13.13.
Variant type: single nucleotide variant.
Coding change: c.1198C>T on transcript NM_052876.4 (MANE Select); coding-DNA position 1198, C replaced by T.
Protein change: p.Arg400Trp; replaces arginine 400 with tryptophan.
Molecular consequence: missense variant.
Genome position (GRCh38, 1-based): chr19:13,137,348, C>T. VCF-style: chr19-13137348-C-T. GRCh37 (hg19) VCF-style: chr19-13248162-C-T.
Other names: c.1198C>T (NM_052876.3, NM_052876.2); short protein forms R400W.
Identifiers: ClinVar variation 1388232 (VCV001388232.8), dbSNP rs2145625453, ClinGen allele CA404329293.

ClinVar aggregate classification (germline): Uncertain significance. Review status: criteria provided, multiple submitters, no conflicts (2 of 4 stars). 3 submissions from 3 submitters: Uncertain significance (3). Last evaluated 2026-04-20.

Conditions:
Inborn genetic diseases. Identifiers: MedGen C0950123, MeSH D030342.

Submissions (3):

GeneDx
Classification: Uncertain significance. Last evaluated: 2026-04-20. Review status: criteria provided, single submitter. Criteria: GeneDx Variant Classification Process June 2021. Collection method: clinical testing. Allele origin: germline.
Comment: Not observed at significant frequency in large population cohorts (gnomAD); In silico analysis supports that this missense variant has a deleterious effect on protein structure/function; Has not been previously published as pathogenic or benign to our knowledge

Ambry Genetics
Classification: Uncertain significance for Inborn genetic diseases. Last evaluated: 2024-06-04. Review status: criteria provided, single submitter. Criteria: Ambry Variant Classification Scheme 2023. Collection method: clinical testing. Allele origin: germline.

Labcorp Genetics (formerly Invitae), Labcorp
Classification: Uncertain significance. Last evaluated: 2021-10-20. Review status: criteria provided, single submitter. Criteria: Invitae Variant Classification Sherloc (09022015). Collection method: clinical testing. Allele origin: germline.
Comment: This variant is not present in population databases (ExAC no frequency). This sequence change replaces arginine with tryptophan at codon 400 of the NACC1 protein (p.Arg400Trp). The arginine residue is highly conserved and there is a moderate physicochemical difference between arginine and tryptophan. This variant has not been reported in the literature in individuals affected with NACC1-related conditions. Algorithms developed to predict the effect of missense changes on protein structure and function are either unavailable or do not agree on the potential impact of this missense change (SIFT: "Deleterious"; PolyPhen-2: "Benign"; Align-GVGD: "Class C0"). In summary, the available evidence is currently insufficient to determine the role of this variant in disease. Therefore, it has been classified as a Variant of Uncertain Significance.